The following is an entry in ClinVar:

NM_152564.5(VPS13B):c.1563G>A (p.Lys521=)

Gene: VPS13B (vacuolar protein sorting 13 homolog B; plus strand). Cytogenetic location: 8q22.2.
Variant type: single nucleotide variant.
Coding change: c.1563G>A on transcript NM_152564.5 (MANE Select); coding-DNA position 1563, G replaced by A.
Protein change: p.Lys521=; no amino-acid change (lysine 521 retained).
Molecular consequence: synonymous variant.
Genome position (GRCh38, 1-based): chr8:99,135,733, G>A. VCF-style: chr8-99135733-G-A. GRCh37 (hg19) VCF-style: chr8-100147961-G-A.
Other names: c.1563G>A, p.Lys521= (NM_015243.3, NM_017890.5).
Identifiers: ClinVar variation 68084 (VCV000068084.50), dbSNP rs180177355, ClinGen allele CA284783.

ClinVar aggregate classification (germline): Pathogenic/Likely pathogenic. Review status: criteria provided, multiple submitters, no conflicts (2 of 4 stars). 5 submissions from 5 submitters: Pathogenic (2); Likely pathogenic (2). 1 of the submissions does not count toward it. Last evaluated 2025-12-21.

Conditions:
Cohen syndrome (COH1). Also called: PEPPER SYNDROME; Cutis verticis gyrata, retinitis pigmentosa, and sensorineural deafness. Identifiers: Orphanet 193, MedGen C0265223, MONDO:0008999, OMIM 216550.

Allele frequency attached by ClinVar (database versions not stated): gnomAD exomes below 0.00001; ExAC 0.00001; TOPMed 0.00001.
gnomAD v4.1: 1 of 1,613,060 alleles (0.000062%); highest among the groups gnomAD compares: Non-Finnish European, 0.000085%; no homozygotes.

Submissions (5):

Labcorp Genetics (formerly Invitae), Labcorp
Classification: Likely pathogenic for Cohen syndrome. Last evaluated: 2025-12-21. Review status: criteria provided, single submitter. Criteria: Invitae Variant Classification Sherloc (09022015). Collection method: clinical testing. Allele origin: germline.
Comment: This sequence change affects codon 521 of the VPS13B mRNA. It is a 'silent' change, meaning that it does not change the encoded amino acid sequence of the VPS13B protein. This variant also falls at the last nucleotide of exon 11, which is part of the consensus splice site for this exon. This variant is present in population databases (rs180177355, gnomAD 0.0009%). This variant has been observed in individual(s) with Cohen syndrome (PMID: 16648375, 31580008). In at least one individual the data is consistent with being in trans (on the opposite chromosome) from a pathogenic variant. ClinVar contains an entry for this variant (Variation ID: 68084). Variants that disrupt the consensus splice site are a relatively common cause of aberrant splicing (PMID: 17576681, 9536098). Algorithms developed to predict the effect of sequence changes on RNA splicing suggest that this variant may disrupt the consensus splice site. In summary, the currently available evidence indicates that the variant is pathogenic, but additional data are needed to prove that conclusively. Therefore, this variant has been classified as Likely Pathogenic.

GeneDx
Classification: Pathogenic. Last evaluated: 2025-08-12. Review status: criteria provided, single submitter. Criteria: GeneDx Variant Classification Process June 2021. Collection method: clinical testing. Allele origin: germline. Affected: yes.
Comment: Reported in individuals with diagnoses of Cohen syndrome who harbored a second variant in VPS13B, however segregation information was not provided (PMID: 16648375, 31580008); Studies using RT-PCR on a blood sample from a patient with the c.1563G>A variant demonstrated altered splicing of intron 11 leading to a frameshift variant (p.K521fsX20) predicted to result in protein truncation or nonsense mediated decay in a gene for which loss-of-function is a known mechanism of disease (PMID: 16648375); Not observed at significant frequency in large population cohorts (gnomAD); This variant is associated with the following publications: (PMID: 32531858, 31580008, 27535533, 16648375)

Women's Health and Genetics/Laboratory Corporation of America, LabCorp
Classification: Likely pathogenic for Cohen syndrome. Last evaluated: 2025-05-14. Review status: criteria provided, single submitter. Criteria: LabCorp Variant Classification Summary - May 2015. Collection method: clinical testing. Allele origin: germline.
Comment: Variant summary: VPS13B c.1563G>A (p.Lys521Lys) alters a conserved nucleotide located close to a canonical splice site and therefore could affect mRNA splicing, leading to a significantly altered protein sequence. Several computational tools predict a significant impact on normal splicing: Two predict the variant abolishes a 5' splicing donor site. One predict the variant weakens a 5' donor site. At least one publication reports experimental evidence that this variant affects mRNA splicing (Seifert_206). The frequency data for this variant in gnomAD is considered unreliable, as metrics indicate poor data quality at this position. c.1563G>A has been observed in compound heterozygous individual(s) affected with Cohen Syndrome (Nasser_2020, Seifert_2006). These data indicate that the variant may be associated with disease. The following publications have been ascertained in the context of this evaluation (PMID: 37573958, 31580008, 16648375). ClinVar contains an entry for this variant (Variation ID: 68084). Based on the evidence outlined above, the variant was classified as likely pathogenic.

CeGaT Center for Human Genetics Tuebingen
Classification: Pathogenic. Last evaluated: 2019-05-01. Review status: criteria provided, single submitter. Criteria: CeGaT Center For Human Genetics Tuebingen Variant Classification Criteria Version 2. Collection method: clinical testing. Allele origin: germline. Affected: yes. Observed: 1 variant allele.

SNPedia
Classification: Pathogenic. Review status: no assertion criteria provided. Collection method: not provided. Allele origin: germline. Not counted in ClinVar's aggregate classification.
ClinVar note: Converted during submission from pathogenic to Pathogenic.

Literature cited by the submitters: PubMed 16648375 (cited by Labcorp Genetics (formerly Invitae), Labcorp and Women's Health and Genetics/Laboratory Corporation of America, LabCorp); PubMed 31580008 (cited by Labcorp Genetics (formerly Invitae), Labcorp and Women's Health and Genetics/Laboratory Corporation of America, LabCorp); PubMed 17576681 (cited by Labcorp Genetics (formerly Invitae), Labcorp); PubMed 9536098 (cited by Labcorp Genetics (formerly Invitae), Labcorp); PubMed 37573958 (cited by Women's Health and Genetics/Laboratory Corporation of America, LabCorp).